The following is an entry in ClinVar:

ClinVar aggregate classification (germline): Uncertain significance (1 of 4 stars; one submission).

Conditions:
Hereditary cancer-predisposing syndrome. Also called: Neoplastic Syndromes, Hereditary; Tumor predisposition; Hereditary neoplastic syndrome; Hereditary Cancer Syndrome. Identifiers: Orphanet 140162, MedGen C0027672, MeSH D009386, MONDO:0015356.

Submission:

Ambry Genetics
Classification: Uncertain significance for Hereditary cancer-predisposing syndrome. Last evaluated: 2023-03-05. Review status: criteria provided, single submitter. Criteria: Ambry Variant Classification Scheme 2023. Collection method: clinical testing. Allele origin: germline.
Comment: The p.A561T variant (also known as c.1681G>A), located in coding exon 5 of the AXIN2 gene, results from a G to A substitution at nucleotide position 1681. The alanine at codon 561 is replaced by threonine, an amino acid with similar properties. This amino acid position is conserved. In addition, this alteration is predicted to be tolerated by in silico analysis. Since supporting evidence is limited at this time, the clinical significance of this alteration remains unclear.

NM_004655.4(AXIN2):c.1681G>A (p.Ala561Thr)

Gene: AXIN2 (axin 2; minus strand). Cytogenetic location: 17q24.1.
Variant type: single nucleotide variant.
Coding change: c.1681G>A on transcript NM_004655.4 (MANE Select); coding-DNA position 1681, G replaced by A.
Protein change: p.Ala561Thr; replaces alanine 561 with threonine.
Molecular consequence: missense variant.
Genome position (GRCh38, 1-based): chr17:65,537,355, C>T on the plus strand (G>A on the coding strand, the complement: AXIN2 is on the minus strand). VCF-style: chr17-65537355-C-T. GRCh37 (hg19) VCF-style: chr17-63533473-C-T.
Other names: c.1681G>A, p.Ala561Thr (NM_001363813.1); short protein forms A561T.
Identifiers: ClinVar variation 2451673 (VCV002451673.2), dbSNP rs2509411210, ClinGen allele CA400676849.
Genomic context (GRCh38, chr17:65,537,355, plus strand): 5'-CGGGACACTGCGGTCCGCCCGGCACTTACCCAAACTGCTCGCTGGGCATGGTTTCCGGAG[C>T]CTTGGAGTGGCTTTTGCATTTCGAGTAGCAGTAATACTCGCTGCCCCCAGGGCAGAAGCA-3'
Protein context (NP_004646.3, residues 551-571): CYSKCKSHSK[Ala561Thr]PETMPSEQFG